The following is an entry in ClinVar:

ClinVar aggregate classification (germline): Likely benign. Review status: criteria provided, multiple submitters, no conflicts (2 of 4 stars). 2 submissions from 2 submitters: Likely benign (2). Last evaluated 2026-08-17.

Conditions:
PRX-related disorder. Also called: PRX-related condition; PRX-Related Disorders.
Charcot-Marie-Tooth disease type 4. Also called: Charcot-Marie-Tooth disease, type IV; Charcot-Marie-Tooth, Type 4. Identifiers: Orphanet 64749, MedGen C4082197, MONDO:0018995.

Allele frequency attached by ClinVar (database versions not stated): gnomAD exomes 0.00002 and 0.00004; ExAC 0.00003; gnomAD 0.00003 and 0.00004; TOPMed 0.00003; ESP Exome Variant Server 0.00008.

Submissions (2):

PreventionGenetics, part of Exact Sciences
Classification: Likely benign for PRX-related condition. Last evaluated: 2026-08-17. Review status: criteria provided, single submitter. Criteria: ACMG Guidelines, 2015. Collection method: clinical testing. Allele origin: germline.
Comment: This variant is classified as likely benign based on ACMG/AMP sequence variant interpretation guidelines (Richards et al. 2015 PMID: 25741868, with internal and published modifications).

Labcorp Genetics (formerly Invitae), Labcorp
Classification: Likely benign for Charcot-Marie-Tooth disease type 4. Last evaluated: 2023-09-15. Review status: criteria provided, single submitter. Criteria: Invitae Variant Classification Sherloc (09022015). Collection method: clinical testing. Allele origin: germline.

NM_181882.3(PRX):c.934C>T (p.Leu312=)

Gene: PRX (periaxin; minus strand). Cytogenetic location: 19q13.2.
Variant type: single nucleotide variant.
Coding change: c.934C>T on transcript NM_181882.3 (MANE Select); coding-DNA position 934, C replaced by T.
Protein change: p.Leu312=; no amino-acid change (leucine 312 retained).
Molecular consequence: synonymous variant. On other transcripts: 3 prime UTR variant (1).
Genome position (GRCh38, 1-based): chr19:40,397,418, G>A on the plus strand (C>T on the coding strand, the complement: PRX is on the minus strand). VCF-style: chr19-40397418-G-A. GRCh37 (hg19) VCF-style: chr19-40903325-G-A.
Other names: c.*1139C>T (NM_020956.2).
Identifiers: ClinVar variation 697569 (VCV000697569.11), dbSNP rs369792380, ClinGen allele CA9444358.
Genomic context (GRCh38, chr19:40,397,418, plus strand): 5'-TCGGTGCTGCCACATCCAGGGTGGGCACCACTACCGACACAGCCCCTTCCCGGGTCTCTA[G>A]GCAGGGAAGTGTGGGCAGAGTGGGCAGTGAGGGCAAGGCAGGCAGCTCCACCTGGGGGAC-3'
Protein context (NP_870998.2, residues 302-322): SLPTLPTLPC[Leu312=]ETREGAVSVV